The following is an entry in ClinVar:

NM_001042681.2(RERE):c.4626C>A (p.His1542Gln)

Gene: RERE (arginine-glutamic acid dipeptide repeats; minus strand). Cytogenetic location: 1p36.23.
Variant type: single nucleotide variant.
Coding change: c.4626C>A on transcript NM_001042681.2 (MANE Select); coding-DNA position 4626, C replaced by A.
Protein change: p.His1542Gln; replaces histidine 1542 with glutamine.
Molecular consequence: missense variant.
Genome position (GRCh38, 1-based): chr1:8,355,460, G>T on the plus strand (C>A on the coding strand, the complement: RERE is on the minus strand). VCF-style: chr1-8355460-G-T. GRCh37 (hg19) VCF-style: chr1-8415520-G-T.
Other names: c.2964C>A, p.His988Gln (NM_001042682.2); c.4626C>A, p.His1542Gln (NM_012102.4); short protein forms H1542Q, H988Q.
Identifiers: ClinVar variation 1804792 (VCV001804792.1), dbSNP rs1641251877, ClinGen allele CA338168072.

ClinVar aggregate classification (germline): Uncertain significance (1 of 4 stars; one submission).

gnomAD v4.1: 1 of 1,613,000 alleles (0.000062%); highest among the groups gnomAD compares: Non-Finnish European, 0.000085%; no homozygotes.

Submission:

Women's Health and Genetics/Laboratory Corporation of America, LabCorp
Classification: Uncertain significance. Last evaluated: 2022-11-21. Review status: criteria provided, single submitter. Criteria: LabCorp Variant Classification Summary - May 2015. Collection method: clinical testing. Allele origin: germline.
Comment: Variant summary: RERE c.4626C>A (p.His1542Gln) results in a non-conservative amino acid change in the encoded protein sequence. Three of five in-silico tools predict a damaging effect of the variant on protein function. The variant was absent in 243116 control chromosomes. The available data on variant occurrences in the general population are insufficient to allow any conclusion about variant significance. To our knowledge, no occurrence of c.4626C>A in individuals affected with Neurodevelopmental Disorder With Or Without Anomalies Of The Brain, Eye, Or Heart and no experimental evidence demonstrating its impact on protein function have been reported. No clinical diagnostic laboratories have submitted clinical-significance assessments for this variant to ClinVar after 2014. Based on the evidence outlined above, the variant was classified as uncertain significance.